The following is an entry in ClinVar:

ClinVar aggregate classification (germline): Uncertain significance (1 of 4 stars; one submission).

Conditions:
Short-rib thoracic dysplasia 6 with or without polydactyly (SRTD6). Also called: Majewski Syndrome; SHORT-RIB THORACIC DYSPLASIA 6 WITH POLYDACTYLY; SHORT-RIB THORACIC DYSPLASIA 6 WITHOUT POLYDACTYLY; POLYDACTYLY WITH NEONATAL CHONDRODYSTROPHY, TYPE II; SHORT RIB-POLYDACTYLY SYNDROME, TYPE IIA. Identifiers: MedGen C0024507, MONDO:0009894, OMIM 263520.

Allele frequency attached by ClinVar (database versions not stated): gnomAD exomes below 0.00001.
gnomAD v4.1: 1 of 1,567,032 alleles (0.000064%); highest among the groups gnomAD compares: Admixed American, 0.0019%; no homozygotes.

Submission:

Labcorp Genetics (formerly Invitae), Labcorp
Classification: Uncertain significance for Short-rib thoracic dysplasia 6 with or without polydactyly. Last evaluated: 2023-12-23. Review status: criteria provided, single submitter. Criteria: Invitae Variant Classification Sherloc (09022015). Collection method: clinical testing. Allele origin: germline.
Comment: This sequence change replaces glutamic acid, which is acidic and polar, with glycine, which is neutral and non-polar, at codon 396 of the NEK1 protein (p.Glu396Gly). This variant is not present in population databases (gnomAD no frequency). This variant has not been reported in the literature in individuals affected with NEK1-related conditions. Advanced modeling of protein sequence and biophysical properties (such as structural, functional, and spatial information, amino acid conservation, physicochemical variation, residue mobility, and thermodynamic stability) performed at Invitae indicates that this missense variant is not expected to disrupt NEK1 protein function with a negative predictive value of 95%. Algorithms developed to predict the effect of sequence changes on RNA splicing suggest that this variant may disrupt the consensus splice site. In summary, the available evidence is currently insufficient to determine the role of this variant in disease. Therefore, it has been classified as a Variant of Uncertain Significance.

NM_001199397.3(NEK1):c.1187A>G (p.Glu396Gly)

Gene: NEK1 (NIMA related kinase 1; minus strand). Cytogenetic location: 4q33.
Variant type: single nucleotide variant.
Coding change: c.1187A>G on transcript NM_001199397.3 (MANE Select); coding-DNA position 1187, A replaced by G.
Protein change: p.Glu396Gly; replaces glutamic acid 396 with glycine.
Molecular consequence: missense variant. On other transcripts: non-coding transcript variant (2), intron variant (2).
Genome position (GRCh38, 1-based): chr4:169,561,691, T>C on the plus strand (A>G on the coding strand, the complement: NEK1 is on the minus strand). VCF-style: chr4-169561691-T-C. GRCh37 (hg19) VCF-style: chr4-170482842-T-C.
Other names: c.1187A>G, p.Glu396Gly (NM_001199398.3, NM_001199399.3, NM_001199400.3 and 5 more transcripts); c.1140+141A>G (NM_001374421.1); c.1141-137A>G (NM_001374420.1); short protein forms E396G.
Identifiers: ClinVar variation 2793276 (VCV002793276.3), dbSNP rs2546790955, ClinGen allele CA358734399.
Genomic context (GRCh38, chr4:169,561,691, plus strand): 5'-CTGAAAATCAGTGTATTCCTTAAGAAAAAAGTATATTTAATAGATTATCCTCTTACCCTT[T>C]CCTTTTCTTGCCTTTTCATTTGTTCAGCCTTCATTAAACTAATAATCTGTAACAATTTTA-3'
Protein context (NP_001186326.1, residues 386-406): KAEQMKRQEK[Glu396Gly]RLERINRARE